The following is an entry in ClinVar:

ClinVar aggregate classification (germline): Uncertain significance (1 of 4 stars; one submission).

Conditions:
Cowden syndrome (CS). Also called: Cowden's disease; Cowden's syndrome; Cowden disease. Identifiers: Orphanet 201, MedGen C0018553, MONDO:0016063. Disease mechanism: gain of function.

Submission:

Labcorp Genetics (formerly Invitae), Labcorp
Classification: Uncertain significance for Cowden syndrome. Last evaluated: 2018-03-25. Review status: criteria provided, single submitter. Criteria: Invitae Variant Classification Sherloc (09022015). Collection method: clinical testing. Allele origin: germline.
Comment: In summary, the available evidence is currently insufficient to determine the role of this variant in disease. Therefore, it has been classified as a Variant of Uncertain Significance. Algorithms developed to predict the effect of missense changes on protein structure and function do not agree on the potential impact of this missense change (SIFT: "Deleterious"; PolyPhen-2: "Benign"; Align-GVGD: "Class C25"). This variant has not been reported in the literature in individuals with PIK3CA-related disease. ClinVar contains an entry for this variant (Variation ID: 456542). This variant is not present in population databases (ExAC no frequency). This sequence change replaces isoleucine with valine at codon 910 of the PIK3CA protein (p.Ile910Val). The isoleucine residue is highly conserved and there is a small physicochemical difference between isoleucine and valine.

NM_006218.4(PIK3CA):c.2728A>G (p.Ile910Val)

Gene: PIK3CA (phosphatidylinositol-4,5-bisphosphate 3-kinase catalytic subunit alpha; plus strand). Cytogenetic location: 3q26.32.
Variant type: single nucleotide variant.
Coding change: c.2728A>G on transcript NM_006218.4 (MANE Select); coding-DNA position 2728, A replaced by G.
Protein change: p.Ile910Val; replaces isoleucine 910 with valine.
Molecular consequence: missense variant.
Genome position (GRCh38, 1-based): chr3:179,230,065, A>G. VCF-style: chr3-179230065-A-G. GRCh37 (hg19) VCF-style: chr3-178947853-A-G.
Other names: c.2728A>G (LRG_310t1); short protein forms I910V.
Identifiers: ClinVar variation 456542 (VCV000456542.9), dbSNP rs1553825421, ClinGen allele CA355279698.